The following is an entry in ClinVar:

ClinVar aggregate classification (germline): Pathogenic (1 of 4 stars; one submission).

Conditions:
Ataxia-telangiectasia syndrome (AT). Also called: LOUIS-BAR SYNDROME; Cerebello-oculocutaneous telangiectasia; Immunodeficiency with ataxia telangiectasia; ATAXIA-TELANGIECTASIA, COMPLEMENTATION GROUP A; ATAXIA-TELANGIECTASIA, FRESNO VARIANT; Ataxia-telangiectasia, complementation group D. Identifiers: Orphanet 100, MedGen C0004135, MONDO:0008840, OMIM 208900.

Submission:

Labcorp Genetics (formerly Invitae), Labcorp
Classification: Pathogenic for Ataxia-telangiectasia syndrome. Last evaluated: 2024-06-25. Review status: criteria provided, single submitter. Criteria: Invitae Variant Classification Sherloc (09022015). Collection method: clinical testing. Allele origin: germline.
Comment: This sequence change creates a premature translational stop signal (p.Gly1817Trpfs*6) in the ATM gene. It is expected to result in an absent or disrupted protein product. Loss-of-function variants in ATM are known to be pathogenic (PMID: 23807571, 25614872). This variant is not present in population databases (gnomAD no frequency). This variant has not been reported in the literature in individuals affected with ATM-related conditions. For these reasons, this variant has been classified as Pathogenic.

Literature cited by the submitters: PubMed 23807571; PubMed 25614872.

NM_000051.4(ATM):c.5448dup (p.Gly1817fs)

Gene: ATM (ATM serine/threonine kinase; plus strand). Cytogenetic location: 11q22.3.
Variant type: Duplication.
Coding change: c.5448dup on transcript NM_000051.4 (MANE Select); coding-DNA position 5448, one base duplicated (T; older notation c.5448dupT).
Protein change: p.Gly1817fs; shifts the reading frame from glycine 1817.
Molecular consequence: frameshift variant.
Genome position (GRCh38, 1-based): chr11:108,302,981, T duplicated. VCF-style (leftmost placement, unchanged base first): chr11-108302980-G-GT. GRCh37 (hg19) VCF-style: chr11-108173707-G-GT.
Other names: c.5448dup, p.Gly1817fs (NM_001351834.2); short protein forms G1817fs.
Identifiers: ClinVar variation 3656179 (VCV003656179.2).